The following is an entry in ClinVar:

NM_001001563.5(TIMM50):c.814G>A (p.Asp272Asn)

Gene: TIMM50 (translocase of inner mitochondrial membrane 50; plus strand). Cytogenetic location: 19q13.2.
Variant type: single nucleotide variant.
Coding change: c.814G>A on transcript NM_001001563.5 (MANE Select); coding-DNA position 814, G replaced by A.
Protein change: p.Asp272Asn; replaces aspartic acid 272 with asparagine.
Molecular consequence: missense variant.
Genome position (GRCh38, 1-based): chr19:39,488,178, G>A. VCF-style: chr19-39488178-G-A. GRCh37 (hg19) VCF-style: chr19-39978818-G-A.
Other names: c.475G>A, p.Asp159Asn (NM_001329559.2); short protein forms D272N, D159N.
Identifiers: ClinVar variation 1413350 (VCV001413350.5), dbSNP rs545367933, ClinGen allele CA9431970.

ClinVar aggregate classification (germline): Uncertain significance (1 of 4 stars; one submission).

Allele frequency attached by ClinVar (database versions not stated): TOPMed below 0.00001; gnomAD 0.00001; gnomAD exomes 0.00001; ExAC 0.00002.
gnomAD v4.1: 23 of 1,613,866 alleles (0.0014%); highest among the groups gnomAD compares: South Asian, 0.0022%; no homozygotes.

Submission:

Labcorp Genetics (formerly Invitae), Labcorp
Classification: Uncertain significance. Last evaluated: 2024-11-11. Review status: criteria provided, single submitter. Criteria: Invitae Variant Classification Sherloc (09022015). Collection method: clinical testing. Allele origin: germline.
Comment: This sequence change replaces aspartic acid, which is acidic and polar, with asparagine, which is neutral and polar, at codon 375 of the TIMM50 protein (p.Asp375Asn). This variant is present in population databases (rs545367933, gnomAD 0.003%). This variant has not been reported in the literature in individuals affected with TIMM50-related conditions. ClinVar contains an entry for this variant (Variation ID: 1413350). An algorithm developed to predict the effect of missense changes on protein structure and function (PolyPhen-2) suggests that this variant¬†is likely to be tolerated. In summary, the available evidence is currently insufficient to determine the role of this variant in disease. Therefore, it has been classified as a Variant of Uncertain Significance.